The following is an entry in ClinVar:

ClinVar aggregate classification (germline): Conflicting classifications of pathogenicity. Review status: criteria provided, conflicting classifications (1 of 4 stars). 3 submissions from 3 submitters: Uncertain significance (2); Benign (1). Last evaluated 2025-09-17.

Conditions:
Hereditary cancer-predisposing syndrome. Also called: Neoplastic Syndromes, Hereditary; Hereditary Cancer Syndrome; Tumor predisposition; Hereditary neoplastic syndrome. Identifiers: Orphanet 140162, MedGen C0027672, MeSH D009386, MONDO:0015356.
Familial adenomatous polyposis 2. Also called: COLORECTAL ADENOMATOUS POLYPOSIS, AUTOSOMAL RECESSIVE; ADENOMAS, MULTIPLE COLORECTAL, AUTOSOMAL RECESSIVE; MUTYH-associated polyposis; MUTYH-related attenuated familial adenomatous polyposis; MUTYH Polyposis; Adenomas, multiple colorectal. Identifiers: Orphanet 220460, Orphanet 247798, MedGen C3272841, MONDO:0012041, OMIM 608456.

Submissions (3):

Labcorp Genetics (formerly Invitae), Labcorp
Classification: Uncertain significance for Familial adenomatous polyposis 2. Last evaluated: 2025-09-17. Review status: criteria provided, single submitter. Criteria: Invitae Variant Classification Sherloc (09022015). Collection method: clinical testing. Allele origin: germline.
Comment: This sequence change replaces methionine, which is neutral and non-polar, with isoleucine, which is neutral and non-polar, at codon 121 of the MUTYH protein (p.Met121Ile). This variant is not present in population databases (gnomAD no frequency). This variant has not been reported in the literature in individuals affected with MUTYH-related conditions. ClinVar contains an entry for this variant (Variation ID: 628408). An algorithm developed to predict the effect of missense changes on protein structure and function (PolyPhen-2) suggests that this variant is likely to be tolerated. In summary, the available evidence is currently insufficient to determine the role of this variant in disease. Therefore, it has been classified as a Variant of Uncertain Significance.

Ambry Genetics
Classification: Benign for Hereditary cancer-predisposing syndrome. Last evaluated: 2025-09-09. Review status: criteria provided, single submitter. Criteria: Ambry Variant Classification Scheme 2023. Collection method: clinical testing. Allele origin: germline.

Color Diagnostics, LLC DBA Color Health
Classification: Uncertain significance for Hereditary cancer-predisposing syndrome. Last evaluated: 2023-12-04. Review status: criteria provided, single submitter. Criteria: ACMG Guidelines, 2015. Collection method: clinical testing. Allele origin: germline.
Comment: This missense variant replaces methionine with isoleucine at codon 121 of the MUTYH protein. Computational prediction suggests that this variant may not impact protein structure and function (internally defined REVEL score threshold <= 0.5, PMID: 27666373). To our knowledge, functional studies have not been reported for this variant. This variant has not been reported in individuals affected with MUTYH-related disorders in the literature. This variant has not been identified in the general population by the Genome Aggregation Database (gnomAD). The available evidence is insufficient to determine the role of this variant in disease conclusively. Therefore, this variant is classified as a Variant of Uncertain Significance.

NM_001048174.2(MUTYH):c.279G>A (p.Met93Ile)

Gene: MUTYH (mutY DNA glycosylase; minus strand). Cytogenetic location: 1p34.1.
Variant type: single nucleotide variant.
Coding change: c.279G>A on transcript NM_001048174.2 (MANE Select); coding-DNA position 279, G replaced by A.
Protein change: p.Met93Ile; replaces methionine 93 with isoleucine.
Molecular consequence: missense variant. On other transcripts: initiator codon variant (2), nonsense (2), non-coding transcript variant (2).
Genome position (GRCh38, 1-based): chr1:45,333,310, C>T on the plus strand (G>A on the coding strand, the complement: MUTYH is on the minus strand). VCF-style: chr1-45333310-C-T. GRCh37 (hg19) VCF-style: chr1-45798982-C-T.
Other names: c.279G>A, p.Met93Ile (NM_001048171.2, NM_001048173.2, NM_001293195.2); c.282G>A, p.Met94Ile (NM_001048172.2); c.363G>A, p.Met121Ile (NM_001128425.2); c.324G>A, p.Met108Ile (NM_001293190.2); c.312G>A, p.Met104Ile (NM_001293191.2); c.3G>A, p.Met1Ile (NM_001293192.2, NM_001293196.2); c.8G>A, p.Trp3Ter (NM_001350650.2, NM_001350651.2); c.354G>A, p.Met118Ile (NM_012222.3); short protein forms M121I, M104I, W3*, M118I, M94I, M108I, M1I, M93I.
Identifiers: ClinVar variation 628408 (VCV000628408.17), dbSNP rs1557484399, ClinGen allele CA340136282.